The following is an entry in ClinVar:

NC_000015.10:g.42970608del

Gene: UBR1 (ubiquitin protein ligase E3 component n-recognin 1; minus strand). Cytogenetic location: 15q15.2.
Variant type: Deletion.
Genome position: GRCh38 VCF-style: chr15-42970606-GC-G. GRCh37 (hg19) VCF-style: chr15-43262804-GC-G.
Identifiers: ClinVar variation 2762769 (VCV002762769.3), dbSNP rs2542908789, ClinGen allele CA2697554376.

ClinVar aggregate classification (germline): Pathogenic (1 of 4 stars; one submission).

Submission:

Labcorp Genetics (formerly Invitae), Labcorp
Classification: Pathogenic. Last evaluated: 2023-09-22. Review status: criteria provided, single submitter. Criteria: Invitae Variant Classification Sherloc (09022015). Collection method: clinical testing. Allele origin: germline.
Comment: This sequence change creates a premature translational stop signal (p.Gly1457Alafs*45) in the UBR1 gene. It is expected to result in an absent or disrupted protein product. Loss-of-function variants in UBR1 are known to be pathogenic (PMID: 24599544). This variant is not present in population databases (gnomAD no frequency). This variant has not been reported in the literature in individuals affected with UBR1-related conditions. Algorithms developed to predict the effect of sequence changes on RNA splicing suggest that this variant may disrupt the consensus splice site. For these reasons, this variant has been classified as Pathogenic.

Literature cited by the submitters: PubMed 24599544.